The following is an entry in ClinVar:

ClinVar aggregate classification (germline): Conflicting classifications of pathogenicity. Review status: criteria provided, conflicting classifications (1 of 4 stars). 3 submissions from 3 submitters: Uncertain significance (2); Likely benign (1). Last evaluated 2026-01-06.

Conditions:
Cardiomyopathy (CMYO). Also called: Cardiomyopathies. Identifiers: Orphanet 167848, MedGen C0878544, MONDO:0004994, HP:0001638. Inheritance: Various modes of inheritance.
Hypertrophic cardiomyopathy. Also called: HYPERTROPHIC MYOCARDIOPATHY. Identifiers: Orphanet 217569, MedGen C0007194, MeSH D002312, MONDO:0005045, HP:0001639.

Submissions (3):

Labcorp Genetics (formerly Invitae), Labcorp
Classification: Uncertain significance for Hypertrophic cardiomyopathy. Last evaluated: 2026-01-06. Review status: criteria provided, single submitter. Criteria: Invitae Variant Classification Sherloc (09022015). Collection method: clinical testing. Allele origin: germline.
Comment: This sequence change replaces alanine, which is neutral and non-polar, with proline, which is neutral and non-polar, at codon 23 of the MYBPC3 protein (p.Ala23Pro). The frequency data for this variant in the population databases is considered unreliable, as metrics indicate poor data quality at this position in the gnomAD database. This variant has not been reported in the literature in individuals affected with MYBPC3-related conditions. ClinVar contains an entry for this variant (Variation ID: 1465190). An algorithm developed to predict the effect of missense changes on protein structure and function (PolyPhen-2) suggests that this variant is likely to be disruptive. In summary, the available evidence is currently insufficient to determine the role of this variant in disease. Therefore, it has been classified as a Variant of Uncertain Significance.

Color Diagnostics, LLC DBA Color Health
Classification: Likely benign for Cardiomyopathy. Last evaluated: 2025-06-09. Review status: criteria provided, single submitter. Criteria: ACMG Guidelines, 2015. Collection method: clinical testing. Allele origin: germline.

All of Us Research Program, National Institutes of Health
Classification: Uncertain significance for Hypertrophic cardiomyopathy. Last evaluated: 2024-06-11. Review status: criteria provided, single submitter. Criteria: ACMG Guidelines, 2015. Collection method: clinical testing. Allele origin: germline. Inheritance: Autosomal dominant inheritance. Observed: 2 variant alleles, 2 heterozygotes.
Comment: This study involves interpretation of variants in research participants for the purpose of population health screening. Participant phenotype was not available at the time of variant classification. Additional details can be found in publication PMID: 35346344, PMCID: PMC8962531

NM_000256.3(MYBPC3):c.67G>C (p.Ala23Pro)

Gene: MYBPC3 (myosin binding protein C3; minus strand). Cytogenetic location: 11p11.2.
Variant type: single nucleotide variant.
Coding change: c.67G>C on transcript NM_000256.3 (MANE Select); coding-DNA position 67, G replaced by C.
Protein change: p.Ala23Pro; replaces alanine 23 with proline.
Molecular consequence: missense variant.
Genome position (GRCh38, 1-based): chr11:47,351,464, C>G on the plus strand (G>C on the coding strand, the complement: MYBPC3 is on the minus strand). VCF-style: chr11-47351464-C-G. GRCh37 (hg19) VCF-style: chr11-47373015-C-G.
Other names: short protein forms A23P.
Identifiers: ClinVar variation 1465190 (VCV001465190.9), dbSNP rs758044508, ClinGen allele CA015694.